The following is an entry in ClinVar:

NM_006766.5(KAT6A):c.3428C>G (p.Ser1143Cys)

Gene: KAT6A (lysine acetyltransferase 6A; minus strand). Cytogenetic location: 8p11.21.
Variant type: single nucleotide variant.
Coding change: c.3428C>G on transcript NM_006766.5 (MANE Select); coding-DNA position 3428, C replaced by G.
Protein change: p.Ser1143Cys; replaces serine 1143 with cysteine.
Molecular consequence: missense variant.
Genome position (GRCh38, 1-based): chr8:41,934,792, G>C on the plus strand (C>G on the coding strand, the complement: KAT6A is on the minus strand). VCF-style: chr8-41934792-G-C. GRCh37 (hg19) VCF-style: chr8-41792310-G-C.
Other names: short protein forms S1143C.
Identifiers: ClinVar variation 4999841 (VCV004999841.1).
Genomic context (GRCh38, chr8:41,934,792, plus strand): 5'-CAGTGGATTGGTTTGCGGCTCTTGCCTTTGGGCCATCCCTTTTTCTTTTTCAAAGGTGTG[G>C]ATGTATCTGGCTCAAGAGGAGAATTCTTCACATCACGTTTTCGCAAAAGAGATACTGGCT-3'
Protein context (NP_006757.2, residues 1133-1153): VKNSPLEPDT[Ser1143Cys]TPLKKKKGWP

ClinVar aggregate classification (germline): Uncertain significance (1 of 4 stars; one submission).

Conditions:
KAT6A-related disorder. Also called: KAT6A-related condition.

gnomAD v4.1: 2 of 1,613,962 alleles (0.00012%); highest among the groups gnomAD compares: Non-Finnish European, 0.00017%; no homozygotes.

Submission:

PreventionGenetics, part of Exact Sciences
Classification: Uncertain significance for KAT6A-related condition. Last evaluated: 2025-03-05. Review status: criteria provided, single submitter. Criteria: ACMG Guidelines, 2015. Collection method: clinical testing. Allele origin: germline.
Comment: The KAT6A c.3428C>G variant is predicted to result in the amino acid substitution p.Ser1143Cys. To our knowledge, this variant has not been reported in the literature or in a large population database (gnomAD), indicating this variant is rare. At this time, the clinical significance of this variant is uncertain due to the absence of conclusive functional and genetic evidence.